The following is an entry in ClinVar:

ClinVar aggregate classification (germline): Likely benign. Review status: criteria provided, multiple submitters, no conflicts (2 of 4 stars). 3 submissions from 3 submitters: Likely benign (2). 1 of the submissions does not count toward it. Last evaluated 2025-11-09.

Conditions:
POLG-related disorder. Also called: POLG-related condition; POLG-Related Disorders; POLG-Related Spectrum Disorders. Identifiers: MedGen C4763519.
Progressive sclerosing poliodystrophy (MTDPS4A). Also called: ALPERS PROGRESSIVE INFANTILE POLIODYSTROPHY; NEURONAL DEGENERATION OF CHILDHOOD WITH LIVER DISEASE, PROGRESSIVE; Mitochondrial DNA Depletion Syndrome 4A; Alpers-Huttenlocher Syndrome (AHS); Alpers Syndrome; ALPERS DIFFUSE DEGENERATION OF CEREBRAL GRAY MATTER WITH HEPATIC CIRRHOSIS. Identifiers: Orphanet 726, MedGen C0205710, MONDO:0008758, OMIM 203700.

Allele frequency attached by ClinVar (database versions not stated): gnomAD exomes 0.00001 and 0.00004; ExAC 0.00004; gnomAD 0.00011 and 0.00013; TOPMed 0.00011; ESP Exome Variant Server 0.00015; 1000 Genomes Project 30x 0.00016; 1000 Genomes Project 0.00020.
gnomAD v4.1: 37 of 1,614,214 alleles (0.0023%); highest among the groups gnomAD compares: African/African-American, 0.04%; no homozygotes.

Submissions (3):

Labcorp Genetics (formerly Invitae), Labcorp
Classification: Likely benign for Progressive sclerosing poliodystrophy. Last evaluated: 2025-11-09. Review status: criteria provided, single submitter. Criteria: Invitae Variant Classification Sherloc (09022015). Collection method: clinical testing. Allele origin: germline.

Women's Health and Genetics/Laboratory Corporation of America, LabCorp
Classification: Likely benign. Last evaluated: 2025-03-19. Review status: criteria provided, single submitter. Criteria: LabCorp Variant Classification Summary - May 2015. Collection method: clinical testing. Allele origin: germline.

PreventionGenetics, part of Exact Sciences
Classification: Likely benign for POLG-related condition. Last evaluated: 2023-01-10. Review status: no assertion criteria provided. Collection method: clinical testing. Allele origin: germline. Not counted in ClinVar's aggregate classification.
Comment: This variant is classified as likely benign based on ACMG/AMP sequence variant interpretation guidelines (Richards et al. 2015 PMID: 25741868, with internal and published modifications).

NM_002693.3(POLG):c.1320C>T (p.Asn440=)

Gene: POLG (DNA polymerase gamma, catalytic subunit; minus strand). Cytogenetic location: 15q26.1.
Variant type: single nucleotide variant.
Coding change: c.1320C>T on transcript NM_002693.3 (MANE Select); coding-DNA position 1320, C replaced by T.
Protein change: p.Asn440=; no amino-acid change (asparagine 440 retained).
Molecular consequence: synonymous variant.
Genome position (GRCh38, 1-based): chr15:89,327,280, G>A on the plus strand (C>T on the coding strand, the complement: POLG is on the minus strand). VCF-style: chr15-89327280-G-A. GRCh37 (hg19) VCF-style: chr15-89870511-G-A.
Other names: c.1320C>T (NM_002693.2); c.1320C>T, p.Asn440= (NM_001126131.2).
Identifiers: ClinVar variation 1536724 (VCV001536724.10), dbSNP rs369593231, ClinGen allele CA7724878.